The following is an entry in ClinVar:

ClinVar aggregate classification (germline): Uncertain significance. Review status: criteria provided, multiple submitters, no conflicts (2 of 4 stars). 3 submissions from 3 submitters: Uncertain significance (3). Last evaluated 2026-01-05.

Conditions:
Inborn genetic diseases. Identifiers: MedGen C0950123, MeSH D030342.
Bethlem myopathy 2 (BTHLM2). Identifiers: Orphanet 536516, Orphanet 610, MedGen C4225313, MONDO:0034022, OMIM 616471.
Ullrich congenital muscular dystrophy 2 (UCMD2). Identifiers: Orphanet 75840, MedGen C4225314, MONDO:0014654, OMIM 616470.

Allele frequency attached by ClinVar (database versions not stated): ExAC 0.00001; ESP Exome Variant Server 0.00008; gnomAD exomes 0.00001; TOPMed 0.00001.
gnomAD v4.1: 9 of 1,614,240 alleles (0.00056%); highest among the groups gnomAD compares: Non-Finnish European, 0.00076%; no homozygotes.

Submissions (3):

Labcorp Genetics (formerly Invitae), Labcorp
Classification: Uncertain significance for Bethlem myopathy 2; Ullrich congenital muscular dystrophy 2. Last evaluated: 2026-01-05. Review status: criteria provided, single submitter. Criteria: Invitae Variant Classification Sherloc (09022015). Collection method: clinical testing. Allele origin: germline.
Comment: This sequence change replaces methionine, which is neutral and non-polar, with valine, which is neutral and non-polar, at codon 545 of the COL12A1 protein (p.Met545Val). This variant is present in population databases (rs368489584, gnomAD 0.0009%). This variant has not been reported in the literature in individuals affected with COL12A1-related conditions. ClinVar contains an entry for this variant (Variation ID: 2440210). Invitae Evidence Modeling of protein sequence and biophysical properties (such as structural, functional, and spatial information, amino acid conservation, physicochemical variation, residue mobility, and thermodynamic stability) has been performed for this missense variant. However, the output from this modeling did not meet the statistical confidence thresholds required to predict the impact of this variant on COL12A1 protein function. In summary, the available evidence is currently insufficient to determine the role of this variant in disease. Therefore, it has been classified as a Variant of Uncertain Significance.

Ambry Genetics
Classification: Uncertain significance for Inborn genetic diseases. Last evaluated: 2025-05-18. Review status: criteria provided, single submitter. Criteria: Ambry Variant Classification Scheme 2023. Collection method: clinical testing. Allele origin: germline.

Revvity Omics, Revvity
Classification: Uncertain significance. Last evaluated: 2021-09-17. Review status: criteria provided, single submitter. Criteria: ACMG Guidelines, 2015. Collection method: clinical testing. Allele origin: germline.

NM_004370.6(COL12A1):c.1633A>G (p.Met545Val)

Gene: COL12A1 (collagen type XII alpha 1 chain; minus strand). Cytogenetic location: 6q13.
Variant type: single nucleotide variant.
Coding change: c.1633A>G on transcript NM_004370.6 (MANE Select); coding-DNA position 1633, A replaced by G.
Protein change: p.Met545Val; replaces methionine 545 with valine.
Molecular consequence: missense variant. On other transcripts: intron variant (1).
Genome position (GRCh38, 1-based): chr6:75,183,308, T>C on the plus strand (A>G on the coding strand, the complement: COL12A1 is on the minus strand). VCF-style: chr6-75183308-T-C. GRCh37 (hg19) VCF-style: chr6-75893024-T-C.
Other names: c.73+19412A>G (NM_080645.3); c.1633A>G (NM_004370.5); short protein forms M545V.
Identifiers: ClinVar variation 2440210 (VCV002440210.5), dbSNP rs368489584, ClinGen allele CA3894167.